The following is an entry in ClinVar:

NM_001184.4(ATR):c.7597C>T (p.Arg2533Ter)

Gene: ATR (ATR checkpoint kinase; minus strand). Cytogenetic location: 3q23.
Variant type: single nucleotide variant.
Coding change: c.7597C>T on transcript NM_001184.4 (MANE Select); coding-DNA position 7597, C replaced by T.
Protein change: p.Arg2533Ter; replaces arginine 2533 with a stop codon.
Molecular consequence: nonsense.
Genome position (GRCh38, 1-based): chr3:142,457,662, G>A on the plus strand (C>T on the coding strand, the complement: ATR is on the minus strand). VCF-style: chr3-142457662-G-A. GRCh37 (hg19) VCF-style: chr3-142176504-G-A.
Other names: c.7405C>T, p.Arg2469Ter (NM_001354579.2); short protein forms R2469*, R2533*.
Identifiers: ClinVar variation 1723224 (VCV001723224.3), dbSNP rs1196005889, ClinGen allele CA354794989.

ClinVar aggregate classification (germline): Pathogenic/Likely pathogenic. Review status: criteria provided, multiple submitters, no conflicts (2 of 4 stars). 2 submissions from 2 submitters: Pathogenic (1); Likely pathogenic (1). Last evaluated 2025-11-27.

Conditions:
Seckel syndrome 1 (SCKL1). Also called: MICROCEPHALIC PRIMORDIAL DWARFISM I. Identifiers: Orphanet 808, MedGen C4551474, MONDO:0008869, OMIM 210600.

Allele frequency attached by ClinVar (database versions not stated): gnomAD exomes below 0.00001; gnomAD 0.00001.
gnomAD v4.1: 4 of 1,613,828 alleles (0.00025%); highest among the groups gnomAD compares: Admixed American, 0.0017%; no homozygotes.

Submissions (2):

Labcorp Genetics (formerly Invitae), Labcorp
Classification: Pathogenic. Last evaluated: 2025-11-27. Review status: criteria provided, single submitter. Criteria: Invitae Variant Classification Sherloc (09022015). Collection method: clinical testing. Allele origin: germline.
Comment: This sequence change creates a premature translational stop signal (p.Arg2533*) in the ATR gene. It is expected to result in an absent or disrupted protein product. Loss-of-function variants in ATR are known to be pathogenic (PMID: 21228398, 23144622). This variant is not present in population databases (gnomAD no frequency). This variant has not been reported in the literature in individuals affected with ATR-related conditions. ClinVar contains an entry for this variant (Variation ID: 1723224). For these reasons, this variant has been classified as Pathogenic.

Dasa
Classification: Likely pathogenic for Seckel syndrome 1. Last evaluated: 2022-11-03. Review status: criteria provided, single submitter. Criteria: ACMG Guidelines, 2015. Collection method: clinical testing. Allele origin: germline. Affected: yes. Observed: 1 variant allele.
Comment: The c.7597C>T;p.(Arg2533*) variant creates a premature translational stop signal in the ATR gene. It is expected to result in an absent or disrupted protein product - PVS1. The variant is present at low allele frequencies population databases (rs1196005889 – gnomAD 0.00006577%; ABraOM no frequency) - PM2_supporting. In summary, the currently available evidence indicates that the variant is likely pathogenic.

Literature cited by the submitters: PubMed 21228398 (cited by Labcorp Genetics (formerly Invitae), Labcorp); PubMed 23144622 (cited by Labcorp Genetics (formerly Invitae), Labcorp).